The following is an entry in ClinVar:

NM_024675.4(PALB2):c.1630G>A (p.Glu544Lys)

Gene: PALB2 (partner and localizer of BRCA2; minus strand). Cytogenetic location: 16p12.2.
Variant type: single nucleotide variant.
Coding change: c.1630G>A on transcript NM_024675.4 (MANE Select); coding-DNA position 1630, G replaced by A.
Protein change: p.Glu544Lys; replaces glutamic acid 544 with lysine.
Molecular consequence: missense variant.
Genome position (GRCh38, 1-based): chr16:23,634,916, C>T on the plus strand (G>A on the coding strand, the complement: PALB2 is on the minus strand). VCF-style: chr16-23634916-C-T. GRCh37 (hg19) VCF-style: chr16-23646237-C-T.
Other names: short protein forms E544K.
Identifiers: ClinVar variation 1332589 (VCV001332589.2), dbSNP rs2142410635, ClinGen allele CA395130264.

ClinVar aggregate classification (germline): Uncertain significance (1 of 4 stars; one submission).

Conditions:
Hereditary cancer-predisposing syndrome. Also called: Tumor predisposition; Hereditary Cancer Syndrome; Neoplastic Syndromes, Hereditary; Hereditary neoplastic syndrome. Identifiers: Orphanet 140162, MedGen C0027672, MeSH D009386, MONDO:0015356.

Submission:

Color Diagnostics, LLC DBA Color Health
Classification: Uncertain significance for Hereditary cancer-predisposing syndrome. Last evaluated: 2021-06-03. Review status: criteria provided, single submitter. Criteria: ACMG Guidelines, 2015. Collection method: clinical testing. Allele origin: germline.
Comment: This missense variant replaces glutamic acid with lysine at codon 544 of the PALB2 protein. Computational prediction suggests that this variant may not impact protein structure and function (internally defined REVEL score threshold <= 0.5, PMID: 27666373). To our knowledge, functional studies have not been reported for this variant. This variant has not been reported in individuals affected with hereditary cancer in the literature. This variant has not been identified in the general population by the Genome Aggregation Database (gnomAD). The available evidence is insufficient to determine the role of this variant in disease conclusively. Therefore, this variant is classified as a Variant of Uncertain Significance.